The following is an entry in ClinVar:

NM_001367624.2(ZNF469):c.11315G>T (p.Ser3772Ile)

Gene: ZNF469 (zinc finger protein 469; plus strand). Cytogenetic location: 16q24.2.
Variant type: single nucleotide variant.
Coding change: c.11315G>T on transcript NM_001367624.2 (MANE Select); coding-DNA position 11315, G replaced by T.
Protein change: p.Ser3772Ile; replaces serine 3772 with isoleucine.
Molecular consequence: missense variant.
Genome position (GRCh38, 1-based): chr16:88,438,785, G>T. VCF-style: chr16-88438785-G-T. GRCh37 (hg19) VCF-style: chr16-88505193-G-T.
Other names: NM_001127464.1:c.11231G>T; short protein forms S3772I.
Identifiers: ClinVar variation 5032275 (VCV005032275.1).

ClinVar aggregate classification (germline): Uncertain significance (1 of 4 stars; one submission).

Conditions:
Cardiovascular phenotype. Identifiers: MedGen CN230736.

gnomAD v4.1: 1 of 1,550,086 alleles (0.000065%); highest among the groups gnomAD compares: African/African-American, 0.0014%; no homozygotes.

Submission:

Ambry Genetics
Classification: Uncertain significance for Cardiovascular phenotype. Last evaluated: 2026-09-06. Review status: criteria provided, single submitter. Criteria: Ambry Variant Classification Scheme 2023. Collection method: clinical testing. Allele origin: germline.
Comment: The p.S3744I variant (also known as c.11231G>T), located in coding exon 2 of the ZNF469 gene, results from a G to T substitution at nucleotide position 11231. The serine at codon 3744 is replaced by isoleucine, an amino acid with dissimilar properties. This amino acid position is conserved. In addition, this alteration is predicted to be tolerated by in silico analysis. Based on the available evidence, the clinical significance of this variant remains unclear.